The following is an entry in ClinVar:

ClinVar aggregate classification (germline): Uncertain significance (1 of 4 stars; one submission).

Conditions:
Long QT syndrome (LQTS). Identifiers: MedGen C0023976, MeSH D008133, MONDO:0002442. Disease mechanism: loss of function. Inheritance: Various modes of inheritance.

Submission:

Labcorp Genetics (formerly Invitae), Labcorp
Classification: Uncertain significance for Long QT syndrome. Last evaluated: 2022-04-04. Review status: criteria provided, single submitter. Criteria: Invitae Variant Classification Sherloc (09022015). Collection method: clinical testing. Allele origin: germline.
Comment: In summary, the available evidence is currently insufficient to determine the role of this variant in disease. Therefore, it has been classified as a Variant of Uncertain Significance. Algorithms developed to predict the effect of missense changes on protein structure and function (SIFT, PolyPhen-2, Align-GVGD) all suggest that this variant is likely to be tolerated. This variant has not been reported in the literature in individuals affected with CAV3-related conditions. This variant is not present in population databases (gnomAD no frequency). This sequence change replaces isoleucine, which is neutral and non-polar, with threonine, which is neutral and polar, at codon 17 of the CAV3 protein (p.Ile17Thr).

NM_033337.3(CAV3):c.50T>C (p.Ile17Thr)

Gene: CAV3 (caveolin 3; plus strand). Cytogenetic location: 3p25.3.
Variant type: single nucleotide variant.
Coding change: c.50T>C on transcript NM_033337.3 (MANE Select); coding-DNA position 50, T replaced by C.
Protein change: p.Ile17Thr; replaces isoleucine 17 with threonine.
Molecular consequence: missense variant.
Genome position (GRCh38, 1-based): chr3:8,733,926, T>C. VCF-style: chr3-8733926-T-C. GRCh37 (hg19) VCF-style: chr3-8775612-T-C.
Other names: c.50T>C, p.Ile17Thr (NM_001234.5); short protein forms I17T.
Identifiers: ClinVar variation 2142044 (VCV002142044.4), dbSNP rs2470043852, ClinGen allele CA351661350.